The following is an entry in ClinVar:

NM_001042492.3(NF1):c.*1delinsTCG

Gene: NF1 (neurofibromin 1; plus strand). Cytogenetic location: 17q11.2.
Variant type: Indel.
Coding change: c.*1delinsTCG on transcript NM_001042492.3 (MANE Select); 1 bases downstream of the stop codon, A replaced by TCG.
Molecular consequence: 3 prime UTR variant.
Genome position (GRCh38, 1-based): chr17:31,374,156, A replaced by TCG. VCF-style: chr17-31374156-A-TCG. GRCh37 (hg19) VCF-style: chr17-29701174-A-TCG.
Other names: c.*1delAinsTCG (NM_000267.4).
Identifiers: ClinVar variation 2444753 (VCV002444753.3), dbSNP rs2508878205, ClinGen allele CA2580093062.
Genomic context (GRCh38, chr17:31,374,156, plus strand): 5'-GTGCAGAAGCAAAGAAGCGCTGGCAGTTTCAAACGTAATAGCATTAAGAAGATCGTGTGA[A>TCG]GCTTGCTTGCTTTCTTTTTTAAAATCAACTTAACATGGGCTCTTCACTAGTGACCCCTTC-3'

ClinVar aggregate classification (germline): Uncertain significance. Review status: criteria provided, multiple submitters, no conflicts (2 of 4 stars). 2 submissions from 2 submitters: Uncertain significance (2). Last evaluated 2026-08-19.

Submissions (2):

GeneDx
Classification: Uncertain significance. Last evaluated: 2026-08-19. Review status: criteria provided, single submitter. Criteria: GeneDx Variant Classification Process June 2021. Collection method: clinical testing. Allele origin: germline.
Comment: Not observed at significant frequency in large population cohorts (gnomAD); Located in a region that tolerates variation and lacks pathogenic variants; Has not been previously published as pathogenic or benign to our knowledge; Located in a regulatory region; in the absence of functional studies, the actual effect of this sequence change is unknown

Women's Health and Genetics/Laboratory Corporation of America, LabCorp
Classification: Uncertain significance. Last evaluated: 2025-02-21. Review status: criteria provided, single submitter. Criteria: LabCorp Variant Classification Summary - May 2015. Collection method: clinical testing. Allele origin: germline.
Comment: Variant summary: NF1 c.*1delinsTCG is located in the untranslated mRNA region downstream of the termination codon. Consensus agreement among computation tools predict no significant impact on normal splicing. However, these predictions have yet to be confirmed by functional studies. The variant was absent in 1455942 control chromosomes. The available data on variant occurrences in the general population are insufficient to allow any conclusion about variant significance. To our knowledge, no occurrence of c.*1delinsTCG in individuals affected with Neurofibromatosis Type 1 and no experimental evidence demonstrating its impact on protein function have been reported. ClinVar contains an entry for this variant (Variation ID: 2444753). Based on the evidence outlined above, the variant was classified as uncertain significance.

Literature cited by the submitters: PubMed 10678181 (cited by Women's Health and Genetics/Laboratory Corporation of America, LabCorp); PubMed 23460398 (cited by Women's Health and Genetics/Laboratory Corporation of America, LabCorp); PubMed 29872168 (cited by Women's Health and Genetics/Laboratory Corporation of America, LabCorp); PubMed 27069254 (cited by Women's Health and Genetics/Laboratory Corporation of America, LabCorp).